The following is an entry in ClinVar:

NM_024422.6(DSC2):c.2294C>T (p.Ala765Val)

Gene: DSC2 (desmocollin 2; minus strand). Cytogenetic location: 18q12.1.
Variant type: single nucleotide variant.
Coding change: c.2294C>T on transcript NM_024422.6 (MANE Select); coding-DNA position 2294, C replaced by T.
Protein change: p.Ala765Val; replaces alanine 765 with valine.
Molecular consequence: missense variant.
Genome position (GRCh38, 1-based): chr18:31,069,108, G>A on the plus strand (C>T on the coding strand, the complement: DSC2 is on the minus strand). VCF-style: chr18-31069108-G-A. GRCh37 (hg19) VCF-style: chr18-28649074-G-A.
Other names: c.2294C>T, p.Ala765Val (NM_004949.5); short protein forms A765V.
Identifiers: ClinVar variation 1357064 (VCV001357064.6), dbSNP rs771628564, ClinGen allele CA036067.

ClinVar aggregate classification (germline): Uncertain significance (1 of 4 stars; one submission).

Conditions:
Arrhythmogenic right ventricular dysplasia 11. Also called: Arrhythmogenic right ventricular dysplasia 11 with mild palmoplantar keratoderma and woolly hair; Arrhythmogenic Right Ventricular Dysplasia/Cardiomyopathy11; ARRHYTHMOGENIC RIGHT VENTRICULAR DYSPLASIA, FAMILIAL, 11. Identifiers: MedGen C1864850, MONDO:0012506, OMIM 610476.

Allele frequency attached by ClinVar (database versions not stated): ExAC 0.00001; gnomAD exomes 0.00001.
gnomAD v4.1: 2 of 1,614,126 alleles (0.00012%); highest among the groups gnomAD compares: Non-Finnish European, 0.00017%; no homozygotes.

Submission:

Labcorp Genetics (formerly Invitae), Labcorp
Classification: Uncertain significance for Arrhythmogenic right ventricular dysplasia 11. Last evaluated: 2022-03-08. Review status: criteria provided, single submitter. Criteria: Invitae Variant Classification Sherloc (09022015). Collection method: clinical testing. Allele origin: germline.
Comment: This sequence change replaces alanine, which is neutral and non-polar, with valine, which is neutral and non-polar, at codon 765 of the DSC2 protein (p.Ala765Val). This variant is present in population databases (rs771628564, gnomAD 0.002%). This variant has not been reported in the literature in individuals affected with DSC2-related conditions. Algorithms developed to predict the effect of missense changes on protein structure and function (SIFT, PolyPhen-2, Align-GVGD) all suggest that this variant is likely to be tolerated. In summary, the available evidence is currently insufficient to determine the role of this variant in disease. Therefore, it has been classified as a Variant of Uncertain Significance.